The following is an entry in ClinVar:

NM_025179.4(PLXNA2):c.3311C>T (p.Thr1104Met)

Gene: PLXNA2 (plexin A2; minus strand). Cytogenetic location: 1q32.2.
Variant type: single nucleotide variant.
Coding change: c.3311C>T on transcript NM_025179.4 (MANE Select); coding-DNA position 3311, C replaced by T.
Protein change: p.Thr1104Met; replaces threonine 1104 with methionine.
Molecular consequence: missense variant.
Genome position (GRCh38, 1-based): chr1:208,046,062, G>A on the plus strand (C>T on the coding strand, the complement: PLXNA2 is on the minus strand). VCF-style: chr1-208046062-G-A. GRCh37 (hg19) VCF-style: chr1-208219407-G-A.
Other names: c.3311C>T (NM_025179.3); short protein forms T1104M.
Identifiers: ClinVar variation 1493655 (VCV001493655.10), dbSNP rs752519049, ClinGen allele CA1373213.
Genomic context (GRCh38, chr1:208,046,062, plus strand): 5'-TTAAAGACAAATCCAAACTCATCTGGGCGTTCCACAGTGTCCAGGCCAGGGCGGTAGTCC[G>A]TGGTCAGAGAGGGTGCCAGGCAGGTGAGGGTGGTTGTGTTCACAACTTTACACACCTAAG-3'
Protein context (NP_079455.3, residues 1094-1114): TLTCLAPSLT[Thr1104Met]DYRPGLDTVE

ClinVar aggregate classification (germline): Uncertain significance. Review status: criteria provided, multiple submitters, no conflicts (2 of 4 stars). 2 submissions from 2 submitters: Uncertain significance (2). Last evaluated 2026-07-23.

Conditions:
PLXNA2-related disorder. Also called: PLXNA2-related condition.

Allele frequency attached by ClinVar (database versions not stated): gnomAD 0.00004 and 0.00005; ExAC 0.00006; TOPMed 0.00006; gnomAD exomes 0.00007.
gnomAD v4.1: 93 of 1,614,140 alleles (0.0058%); highest among the groups gnomAD compares: Middle Eastern, 0.033%; no homozygotes.

Submissions (2):

PreventionGenetics, part of Exact Sciences
Classification: Uncertain significance for PLXNA2-related condition. Last evaluated: 2026-07-23. Review status: criteria provided, single submitter. Criteria: ACMG Guidelines, 2015. Collection method: clinical testing. Allele origin: germline.
Comment: The PLXNA2 c.3311C>T variant is predicted to result in the amino acid substitution p.Thr1104Met. To our knowledge, this variant has not been reported in the literature. This variant is reported in 18 out of 282878 total alleles in gnomAD. Although we suspect that this variant may be benign, at this time, the clinical significance of this variant is uncertain due to the absence of conclusive functional and genetic evidence.

Labcorp Genetics (formerly Invitae), Labcorp
Classification: Uncertain significance. Last evaluated: 2025-10-23. Review status: criteria provided, single submitter. Criteria: Invitae Variant Classification Sherloc (09022015). Collection method: clinical testing. Allele origin: germline.
Comment: This sequence change replaces threonine, which is neutral and polar, with methionine, which is neutral and non-polar, at codon 1104 of the PLXNA2 protein (p.Thr1104Met). This variant is present in population databases (rs752519049, gnomAD 0.02%). This variant has not been reported in the literature in individuals affected with PLXNA2-related conditions. ClinVar contains an entry for this variant (Variation ID: 1493655). Invitae Evidence Modeling of protein sequence and biophysical properties (such as structural, functional, and spatial information, amino acid conservation, physicochemical variation, residue mobility, and thermodynamic stability) indicates that this missense variant is not expected to disrupt PLXNA2 protein function with a negative predictive value of 80%. In summary, the available evidence is currently insufficient to determine the role of this variant in disease. Therefore, it has been classified as a Variant of Uncertain Significance.